The following is an entry in ClinVar:

NM_003680.3(YARS1):c.-129C>A

Genes: S100PBP (S100P binding protein; plus strand), YARS1 (tyrosyl-tRNA synthetase 1; minus strand). Cytogenetic location: 1p35.1.
Variant type: single nucleotide variant.
Coding change: c.-129C>A on transcript NM_003680.3; 129 bases upstream of the start codon, C replaced by A.
Genome position (GRCh38, 1-based): chr1:32,817,373, G>T on the plus strand (C>A on the coding strand, the complement: YARS1 is on the minus strand). VCF-style: chr1-32817373-G-T. GRCh37 (hg19) VCF-style: chr1-33282974-G-T.
Identifiers: ClinVar variation 874791 (VCV000874791.6), dbSNP rs560979597, ClinGen allele CA20297629.

ClinVar aggregate classification (germline): Benign (1 of 4 stars; one submission).

Conditions:
Charcot-Marie-Tooth disease dominant intermediate C (CMTDIC). Also called: CHARCOT-MARIE-TOOTH NEUROPATHY, DOMINANT INTERMEDIATE C. Identifiers: Orphanet 100045, MedGen C1842237, MONDO:0012012, OMIM 608323.

Allele frequency attached by ClinVar (database versions not stated): TOPMed 0.00045; gnomAD 0.00051 and 0.00052; 1000 Genomes Project 0.00160; 1000 Genomes Project 30x 0.00125.
gnomAD v4.1: 271 of 1,218,496 alleles (0.022%); highest among the groups gnomAD compares: African/African-American, 0.098%; no homozygotes.

Submission:

Illumina Laboratory Services, Illumina
Classification: Benign for Charcot-Marie-Tooth disease dominant intermediate C. Last evaluated: 2018-01-12. Review status: criteria provided, single submitter. Criteria: ICSL Variant Classification Criteria 13 December 2019. Collection method: clinical testing. Allele origin: germline.
Comment: This variant was observed in the ICSL laboratory as part of a predisposition screen in an ostensibly healthy population. It had not been previously curated by ICSL or reported in the Human Gene Mutation Database (HGMD: prior to June 1st, 2018), and was therefore a candidate for classification through an automated scoring system. Utilizing variant allele frequency, disease prevalence and penetrance estimates, and inheritance mode, an automated score was calculated to assess if this variant is too frequent to cause the disease. Based on the score and internal cut-off values, a variant classified as benign is not then subjected to further curation. The score for this variant resulted in a classification of benign for this disease.